The following is an entry in ClinVar:

NM_002430.3(MN1):c.368C>T (p.Pro123Leu)

Gene: MN1 (MN1 proto-oncogene, transcriptional regulator; minus strand). Cytogenetic location: 22q12.1.
Variant type: single nucleotide variant.
Coding change: c.368C>T on transcript NM_002430.3 (MANE Select); coding-DNA position 368, C replaced by T.
Protein change: p.Pro123Leu; replaces proline 123 with leucine.
Molecular consequence: missense variant.
Genome position (GRCh38, 1-based): chr22:27,800,176, G>A on the plus strand (C>T on the coding strand, the complement: MN1 is on the minus strand). VCF-style: chr22-27800176-G-A. GRCh37 (hg19) VCF-style: chr22-28196164-G-A.
Other names: short protein forms P123L.
Identifiers: ClinVar variation 4982788 (VCV004982788.1).

ClinVar aggregate classification (germline): Uncertain significance (1 of 4 stars; one submission).

Conditions:
MN1-related disorder. Also called: MN1-related condition.

gnomAD v4.1: 8 of 1,547,270 alleles (0.00052%); highest among the groups gnomAD compares: African/African-American, 0.0069%; no homozygotes.

Submission:

PreventionGenetics, part of Exact Sciences
Classification: Uncertain significance for MN1-related condition. Last evaluated: 2026-01-30. Review status: criteria provided, single submitter. Criteria: ACMG Guidelines, 2015. Collection method: clinical testing. Allele origin: germline.
Comment: The MN1 c.368C>T variant is predicted to result in the amino acid substitution p.Pro123Leu. To our knowledge, this variant has not been reported in the literature. This variant is reported in 0.0083% of alleles in individuals of African descent in gnomAD. At this time, the clinical significance of this variant is uncertain due to the absence of conclusive functional and genetic evidence.